The following is an entry in ClinVar:

NM_001159699.2(FHL1):c.606dup (p.Val203fs)

Gene: FHL1 (four and a half LIM domains 1; plus strand). Cytogenetic location: Xq26.3.
Variant type: Duplication.
Coding change: c.606dup on transcript NM_001159699.2 (MANE Select); coding-DNA position 606, one base duplicated (T; older notation c.606dupT).
Protein change: p.Val203fs; shifts the reading frame from valine 203.
Molecular consequence: frameshift variant. On other transcripts: non-coding transcript variant (1), intron variant (2).
Genome position (GRCh38, 1-based): chrX:136,208,511, T duplicated; the last of 3 consecutive T bases (chrX:136,208,509-136,208,511); duplicating any one gives the same sequence. VCF-style (leftmost placement, unchanged base first): chrX-136208508-C-CT. GRCh37 (hg19) VCF-style: chrX-135290667-C-CT.
Other names: c.558dup, p.Val187fs (NM_001159700.2, NM_001159702.3, NM_001159704.1 and 8 more transcripts); c.645dup, p.Val216fs (NM_001159701.2); c.501+550dup (NM_001159703.2); c.549+550dup (NM_001330659.2); short protein forms V187fs, V216fs, V203fs.
Identifiers: ClinVar variation 3728145 (VCV003728145.2).

ClinVar aggregate classification (germline): Pathogenic (1 of 4 stars; one submission).

Conditions:
X-linked myopathy with postural muscle atrophy. Also called: FHL1-Related Emery-Dreifuss Muscular Dystrophy, X-Linked. Identifiers: Orphanet 178461, MedGen C2678055, MONDO:0010401, OMIM 300696.

Submission:

Labcorp Genetics (formerly Invitae), Labcorp
Classification: Pathogenic for X-linked myopathy with postural muscle atrophy. Last evaluated: 2025-10-08. Review status: criteria provided, single submitter. Criteria: Invitae Variant Classification Sherloc (09022015). Collection method: clinical testing. Allele origin: germline.
Comment: This sequence change creates a premature translational stop signal (p.Val187Cysfs*7) in the FHL1 gene. It is expected to result in an absent or disrupted protein product. Loss-of-function variants in FHL1 are known to be pathogenic (PMID: 18179888, 19687455, 19716112, 22523091, 24114807). This variant is not present in population databases (gnomAD no frequency). This variant has not been reported in the literature in individuals affected with FHL1-related conditions. ClinVar contains an entry for this variant (Variation ID: 3728145). For these reasons, this variant has been classified as Pathogenic.

Literature cited by the submitters: PubMed 18179888; PubMed 19687455; PubMed 19716112; PubMed 22523091; PubMed 24114807.